The following is an entry in ClinVar:

ClinVar aggregate classification (germline): Uncertain significance (1 of 4 stars; one submission).

gnomAD v4.1: 13 of 1,614,096 alleles (0.00081%); highest among the groups gnomAD compares: Non-Finnish European, 0.00059%; no homozygotes.

Submission:

Women's Health and Genetics/Laboratory Corporation of America, LabCorp
Classification: Uncertain significance. Last evaluated: 2025-04-18. Review status: criteria provided, single submitter. Criteria: LabCorp Variant Classification Summary - May 2015. Collection method: clinical testing. Allele origin: germline.
Comment: Variant summary: AFF3 c.3329G>A (p.Ser1110Asn) results in a conservative amino acid change located in the AF4/FMR2, C-terminal homology domain (IPR043640) of the encoded protein sequence. Four of five in-silico tools predict a benign effect of the variant on protein function. The variant was absent in 251476 control chromosomes. The available data on variant occurrences in the general population are insufficient to allow any conclusion about variant significance. To our knowledge, no occurrence of c.3329G>A in individuals affected with KINSSHIP Syndrome and no experimental evidence demonstrating its impact on protein function have been reported. No submitters have cited clinical-significance assessments for this variant to ClinVar. Based on the evidence outlined above, the variant was classified as uncertain significance.

NM_001386135.1(AFF3):c.3329G>A (p.Ser1110Asn)

Gene: AFF3 (ALF transcription elongation factor 3; minus strand). Cytogenetic location: 2q11.2.
Variant type: single nucleotide variant.
Coding change: c.3329G>A on transcript NM_001386135.1 (MANE Select); coding-DNA position 3329, G replaced by A.
Protein change: p.Ser1110Asn; replaces serine 1110 with asparagine.
Molecular consequence: missense variant.
Genome position (GRCh38, 1-based): chr2:99,554,689, C>T on the plus strand (G>A on the coding strand, the complement: AFF3 is on the minus strand). VCF-style: chr2-99554689-C-T. GRCh37 (hg19) VCF-style: chr2-100171151-C-T.
Other names: c.3404G>A, p.Ser1135Asn (NM_001025108.2); c.3329G>A, p.Ser1110Asn (NM_002285.3); short protein forms S1110N, S1135N.
Identifiers: ClinVar variation 3896171 (VCV003896171.2).